The following is an entry in ClinVar:

ClinVar aggregate classification (germline): Uncertain significance (1 of 4 stars; one submission).

Conditions:
Inborn genetic diseases. Identifiers: MedGen C0950123, MeSH D030342.

Submission:

Ambry Genetics
Classification: Uncertain significance for Inborn genetic diseases. Last evaluated: 2025-08-30. Review status: criteria provided, single submitter. Criteria: Ambry Variant Classification Scheme 2023. Collection method: clinical testing. Allele origin: germline.
Comment: The p.L1172V variant (also known as c.3514C>G), located in coding exon 16 of the MECOM gene, results from a C to G substitution at nucleotide position 3514. The leucine at codon 1172 is replaced by valine, an amino acid with highly similar properties. This amino acid position is conserved. In addition, this alteration is predicted to be tolerated by in silico analysis. Based on the available evidence, the clinical significance of this variant remains unclear.

NM_004991.4(MECOM):c.3514C>G (p.Leu1172Val)

Gene: MECOM (MDS1 and EVI1 complex locus; minus strand). Cytogenetic location: 3q26.2.
Variant type: single nucleotide variant.
Coding change: c.3514C>G on transcript NM_004991.4 (MANE Select); coding-DNA position 3514, C replaced by G.
Protein change: p.Leu1172Val; replaces leucine 1172 with valine.
Molecular consequence: missense variant.
Genome position (GRCh38, 1-based): chr3:169,089,071, G>C on the plus strand (C>G on the coding strand, the complement: MECOM is on the minus strand). VCF-style: chr3-169089071-G-C. GRCh37 (hg19) VCF-style: chr3-168806859-G-C.
Other names: c.3145C>G, p.Leu1049Val (NM_001105077.4); c.2950C>G, p.Leu984Val (NM_001105078.4, NM_001205194.2, NM_001366469.2 and 1 more transcripts); c.2926C>G, p.Leu976Val (NM_001163999.2, NM_001366470.2); c.2923C>G, p.Leu975Val (NM_001164000.2, NM_001366471.2, NM_001366472.2); c.3487C>G, p.Leu1163Val (NM_001366466.2); c.2953C>G, p.Leu985Val (NM_001366467.2, NM_001366468.2); c.2515C>G, p.Leu839Val (NM_001366473.2); c.1951C>G, p.Leu651Val (NM_001366474.2); short protein forms L1049V, L839V, L975V, L976V, L1163V, L1172V, L651V, L984V.
Identifiers: ClinVar variation 4105886 (VCV004105886.1).